The following is an entry in ClinVar:

NM_018838.5(NDUFA12):c.260A>G (p.His87Arg)

Gene: NDUFA12 (NADH:ubiquinone oxidoreductase subunit A12; minus strand). Cytogenetic location: 12q22.
Variant type: single nucleotide variant.
Coding change: c.260A>G on transcript NM_018838.5 (MANE Select); coding-DNA position 260, A replaced by G.
Protein change: p.His87Arg; replaces histidine 87 with arginine.
Molecular consequence: missense variant.
Genome position (GRCh38, 1-based): chr12:94,971,618, T>C on the plus strand (A>G on the coding strand, the complement: NDUFA12 is on the minus strand). VCF-style: chr12-94971618-T-C. GRCh37 (hg19) VCF-style: chr12-95365394-T-C.
Other names: c.172A>G, p.Ile58Val (NM_001258338.2); short protein forms I58V, H87R.
Identifiers: ClinVar variation 1432037 (VCV001432037.7), dbSNP rs781198263, ClinGen allele CA6722521.

ClinVar aggregate classification (germline): Uncertain significance. Review status: criteria provided, multiple submitters, no conflicts (2 of 4 stars). 2 submissions from 2 submitters: Uncertain significance (2). Last evaluated 2022-10-24.

Allele frequency attached by ClinVar (database versions not stated): gnomAD 0.00001; gnomAD exomes 0.00001 and 0.00004; ExAC 0.00005.
gnomAD v4.1: 11 of 1,614,034 alleles (0.00068%); highest among the groups gnomAD compares: Admixed American, 0.017%; no homozygotes.

Submissions (2):

Labcorp Genetics (formerly Invitae), Labcorp
Classification: Uncertain significance. Last evaluated: 2022-10-24. Review status: criteria provided, single submitter. Criteria: Invitae Variant Classification Sherloc (09022015). Collection method: clinical testing. Allele origin: germline.
Comment: In summary, the available evidence is currently insufficient to determine the role of this variant in disease. Therefore, it has been classified as a Variant of Uncertain Significance. Algorithms developed to predict the effect of missense changes on protein structure and function are either unavailable or do not agree on the potential impact of this missense change (SIFT: "Deleterious"; PolyPhen-2: "Probably Damaging"; Align-GVGD: "Class C0"). ClinVar contains an entry for this variant (Variation ID: 1432037). This variant has not been reported in the literature in individuals affected with NDUFA12-related conditions. This variant is present in population databases (rs781198263, gnomAD 0.02%). This sequence change replaces histidine, which is basic and polar, with arginine, which is basic and polar, at codon 87 of the NDUFA12 protein (p.His87Arg).

Women's Health and Genetics/Laboratory Corporation of America, LabCorp
Classification: Uncertain significance. Last evaluated: 2022-07-29. Review status: criteria provided, single submitter. Criteria: LabCorp Variant Classification Summary - May 2015. Collection method: clinical testing. Allele origin: germline.
Comment: Variant summary: NDUFA12 c.260A>G (p.His87Arg) results in a non-conservative amino acid change in the encoded protein sequence. Four of five in-silico tools predict a damaging effect of the variant on protein function. 4/4 computational tools predict no significant impact on normal splicing. However, these predictions have yet to be confirmed by functional studies. The variant allele was found at a frequency of 3.6e-05 in 251272 control chromosomes (gnomAD). The available data on variant occurrences in the general population are insufficient to allow any conclusion about variant significance. To our knowledge, no occurrence of c.260A>G in individuals affected with NDUFA12-related disorders and no experimental evidence demonstrating its impact on protein function have been reported. One clinical diagnostic laboratory has submitted an assessment for this variant to ClinVar after 2014 and classified the variant as uncertain significance. Based on the evidence outlined above, the variant was classified as uncertain significance.